The following is an entry in ClinVar:

NM_000059.4(BRCA2):c.8419_8428del (p.Ser2807fs)

Gene: BRCA2 (BRCA2 DNA repair associated; plus strand). Cytogenetic location: 13q13.1.
Variant type: Deletion.
Coding change: c.8419_8428del on transcript NM_000059.4 (MANE Select); coding-DNA positions 8419 to 8428, 10 bases deleted (TCGCTTTTCA; older notation c.8419_8428delTCGCTTTTCA).
Protein change: p.Ser2807fs; shifts the reading frame from serine 2807.
Molecular consequence: frameshift variant.
Genome position (GRCh38, 1-based): chr13:32,370,489-32,370,498, TCGCTTTTCA deleted; deleting any 10 consecutive bases within chr13:32,370,486-32,370,498 gives the same sequence; the c. name uses the placement nearest the transcript's 3' end. VCF-style (leftmost placement, unchanged base first): chr13-32370485-ATCATCGCTTT-A. GRCh37 (hg19) VCF-style: chr13-32944622-ATCATCGCTTT-A.
Other names: c.8419_8428delTCGCTTTTCA (NM_000059.3); short protein forms S2807fs.
Identifiers: ClinVar variation 224524 (VCV000224524.10), dbSNP rs869312760, ClinGen allele CA354140.
Genomic context (GRCh38, chr13:32,370,485, plus strand): 5'-TGCTCGCTGGTATACCAAACTTGGATTCTTTCCTGACCCTAGACCTTTTCCTCTGCCCTT[ATCATCGCTTT>A]TCAGTGATGGAGGAAATGTTGGTTGTGTTGATGTAATTATTCAAAGAGCATACCCTATAC-3'

ClinVar aggregate classification (germline): Pathogenic. Review status: reviewed by expert panel (3 of 4 stars). 4 submissions from 4 submitters: Pathogenic (1). 3 of the submissions do not count toward it. Last evaluated 2017-12-15.

Conditions:
Hereditary breast ovarian cancer syndrome. Also called: Breast and ovarian cancer; Hereditary breast and ovarian cancer; Hereditary breast and ovarian cancer syndrome; Hereditary breast and/or ovarian cancer syndrome; BRCA1- and BRCA2-Associated Hereditary Breast and Ovarian Cancer; Hereditary breast and ovarian cancer syndrome (HBOC). Identifiers: Orphanet 145, MedGen C0677776, MeSH D061325, MONDO:0003582. Disease mechanism: loss of function.
Breast-ovarian cancer, familial, susceptibility to, 1 (BROVCA1). Also called: BRCA1 Hereditary Breast and Ovarian Cancer; OVARIAN CANCER, SUSCEPTIBILITY TO. Identifiers: Orphanet 145, MedGen C2676676, MONDO:0011450, OMIM 604370. Disease mechanism: loss of function.
Hereditary cancer-predisposing syndrome. Also called: Tumor predisposition; Hereditary Cancer Syndrome; Neoplastic Syndromes, Hereditary; Hereditary neoplastic syndrome. Identifiers: Orphanet 140162, MedGen C0027672, MeSH D009386, MONDO:0015356.
Breast-ovarian cancer, familial, susceptibility to, 2 (BROVCA2). Also called: BRCA2 Hereditary Breast and Ovarian Cancer. Identifiers: Orphanet 145, MedGen C2675520, MONDO:0012933, OMIM 612555. Disease mechanism: loss of function.

Submissions (4):

Evidence-based Network for the Interpretation of Germline Mutant Alleles (ENIGMA)
Classification: Pathogenic for Breast-ovarian cancer, familial, susceptibility to, 2. Last evaluated: 2017-12-15. Review status: reviewed by expert panel. Criteria: ENIGMA BRCA1/2 Classification Criteria (2017-06-29). Collection method: curation. Allele origin: germline. Study: ENIGMA.
Comment: Variant allele predicted to encode a truncated non-functional protein.

Labcorp Genetics (formerly Invitae), Labcorp
Classification: Pathogenic for Hereditary breast ovarian cancer syndrome. Last evaluated: 2021-07-11. Review status: criteria provided, single submitter. Criteria: Invitae Variant Classification Sherloc (09022015). Collection method: clinical testing. Allele origin: germline. Not counted in ClinVar's aggregate classification.
Comment: ClinVar contains an entry for this variant (Variation ID: 224524). This premature translational stop signal has been observed in individual(s) with breast cancer (PMID: 26845104). This variant is not present in population databases (ExAC no frequency). This sequence change creates a premature translational stop signal (p.Ser2807Valfs*11) in the BRCA2 gene. It is expected to result in an absent or disrupted protein product. Loss-of-function variants in BRCA2 are known to be pathogenic (PMID: 20104584). For these reasons, this variant has been classified as Pathogenic.

Ambry Genetics
Classification: Pathogenic for Hereditary cancer-predisposing syndrome. Last evaluated: 2016-05-03. Review status: criteria provided, single submitter. Criteria: Ambry Variant Classification Scheme 2023. Collection method: clinical testing. Allele origin: germline. Not counted in ClinVar's aggregate classification.
Comment: The c.8419_8428del10 pathogenic mutation, located in coding exon 18 of the BRCA2 gene, results from a deletion of 10 nucleotides between nucleotide positions 8419 and 8428, causing a translational frameshift with a predicted alternate stop codon. Since frameshifts are typically deleterious in nature, this alteration is interpreted as a disease-causing mutation (ACMG Recommendations for Standards for Interpretation and Reporting of Sequence Variations. Revision 2007. Genet Med. 2008;10:294).

University of Washington Department of Laboratory Medicine, University of Washington
Classification: Pathogenic for Breast-ovarian cancer, familial, susceptibility to, 1. Last evaluated: 2015-11-20. Review status: criteria provided, single submitter. Criteria: Shirts et al. (Genet Med 2016). Collection method: clinical testing. Allele origin: germline. Affected: yes. Observed: 1 variant allele. Not counted in ClinVar's aggregate classification.

Literature cited by the submitters: PubMed 26845104 (cited by Labcorp Genetics (formerly Invitae), Labcorp); PubMed 20104584 (cited by Labcorp Genetics (formerly Invitae), Labcorp).